The following is an entry in ClinVar:

NM_015062.5(PPRC1):c.3682C>A (p.Leu1228Ile)

Gene: PPRC1 (PPARG related coactivator 1; plus strand). Cytogenetic location: 10q24.32.
Variant type: single nucleotide variant.
Coding change: c.3682C>A on transcript NM_015062.5 (MANE Select); coding-DNA position 3682, C replaced by A.
Protein change: p.Leu1228Ile; replaces leucine 1228 with isoleucine.
Molecular consequence: missense variant. On other transcripts: intron variant (1).
Genome position (GRCh38, 1-based): chr10:102,146,674, C>A. VCF-style: chr10-102146674-C-A. GRCh37 (hg19) VCF-style: chr10-103906431-C-A.
Other names: c.3322C>A, p.Leu1108Ile (NM_001288728.2); c.3609-1698C>A (NM_001288727.2); short protein forms L1108I, L1228I.
Identifiers: ClinVar variation 3048646 (VCV003048646.2), dbSNP rs117619833, ClinGen allele CA5661364.

ClinVar aggregate classification (germline): Likely benign (0 of 4 stars; one submission).

Conditions:
PPRC1-related disorder. Also called: PPRC1-related condition.

Allele frequency attached by ClinVar (database versions not stated): 1000 Genomes Project 0.00040; 1000 Genomes Project 30x 0.00047; gnomAD 0.00082; TOPMed 0.00082; ESP Exome Variant Server 0.00108.

Submission:

PreventionGenetics, part of Exact Sciences
Classification: Likely benign for PPRC1-related condition. Last evaluated: 2022-03-01. Review status: no assertion criteria provided. Collection method: clinical testing. Allele origin: germline.
Comment: This variant is classified as likely benign based on ACMG/AMP sequence variant interpretation guidelines (Richards et al. 2015 PMID: 25741868, with internal and published modifications).